The following is an entry in ClinVar:

NM_007294.4(BRCA1):c.2602T>C (p.Ser868Pro)

Gene: BRCA1 (BRCA1 DNA repair associated; minus strand). Cytogenetic location: 17q21.31.
Variant type: single nucleotide variant.
Coding change: c.2602T>C on transcript NM_007294.4 (MANE Select); coding-DNA position 2602, T replaced by C.
Protein change: p.Ser868Pro; replaces serine 868 with proline.
Molecular consequence: missense variant. On other transcripts: intron variant (137).
Genome position (GRCh38, 1-based): chr17:43,092,929, A>G on the plus strand (T>C on the coding strand, the complement: BRCA1 is on the minus strand). VCF-style: chr17-43092929-A-G. GRCh37 (hg19) VCF-style: chr17-41244946-A-G.
Other names: c.2524T>C, p.Ser842Pro (NM_001407655.1, NM_001407656.1, NM_001407657.1 and 4 more transcripts); c.577+1815T>C (NM_001408483.1, NM_001408481.1, NM_001408480.1 and 9 more transcripts); c.664+1815T>C (NM_001408442.1, NM_001408426.1, NM_001408436.1 and 12 more transcripts); c.787+1815T>C (NM_001407982.1, NM_001407970.1, NM_001407980.1 and 17 more transcripts); c.2521T>C, p.Ser841Pro (NM_001407659.1, NM_001407660.1, NM_001407662.1 and 1 more transcripts); c.2479T>C, p.Ser827Pro (NM_001407667.1, NM_001407668.1, NM_001407664.1 and 19 more transcripts); c.2389T>C, p.Ser797Pro (NM_001407571.1, NM_001407853.1, NM_001407894.1 and 9 more transcripts); c.2602T>C, p.Ser868Pro (NM_001407581.1, NM_001407582.1, NM_001407583.1 and 30 more transcripts); and 41 more; short protein forms S741P, S757P, S779P, S800P, S801P, S797P, S821P, S826P.
Identifiers: ClinVar variation 2759181 (VCV002759181.3), dbSNP rs2154369061, ClinGen allele CA10596790.

ClinVar aggregate classification (germline): Uncertain significance (1 of 4 stars; one submission).

Conditions:
Hereditary breast ovarian cancer syndrome. Also called: Hereditary breast and ovarian cancer syndrome (HBOC); Hereditary breast and/or ovarian cancer syndrome; Hereditary breast and ovarian cancer syndrome; Breast and ovarian cancer; Hereditary breast and ovarian cancer; BRCA1- and BRCA2-Associated Hereditary Breast and Ovarian Cancer. Identifiers: Orphanet 145, MedGen C0677776, MeSH D061325, MONDO:0003582. Disease mechanism: loss of function.

Allele frequency attached by ClinVar (database versions not stated): gnomAD exomes below 0.00001.

Submission:

Labcorp Genetics (formerly Invitae), Labcorp
Classification: Uncertain significance for Hereditary breast ovarian cancer syndrome. Last evaluated: 2023-09-08. Review status: criteria provided, single submitter. Criteria: Invitae Variant Classification Sherloc (09022015). Collection method: clinical testing. Allele origin: germline.
Comment: This sequence change replaces serine, which is neutral and polar, with proline, which is neutral and non-polar, at codon 868 of the BRCA1 protein (p.Ser868Pro). This variant is not present in population databases (gnomAD no frequency). This variant has not been reported in the literature in individuals affected with BRCA1-related conditions. Advanced modeling of protein sequence and biophysical properties (such as structural, functional, and spatial information, amino acid conservation, physicochemical variation, residue mobility, and thermodynamic stability) performed at Invitae indicates that this missense variant is not expected to disrupt BRCA1 protein function. In summary, the available evidence is currently insufficient to determine the role of this variant in disease. Therefore, it has been classified as a Variant of Uncertain Significance.